The following is an entry in ClinVar:

ClinVar aggregate classification (germline): Likely benign. Review status: criteria provided, multiple submitters, no conflicts (2 of 4 stars). 3 submissions from 3 submitters: Likely benign (2). 1 of the submissions does not count toward it. Last evaluated 2025-09-25.

Conditions:
EFTUD2-related disorder. Also called: EFTUD2-related condition.

Allele frequency attached by ClinVar (database versions not stated): gnomAD 0.00003; TOPMed 0.00004; ExAC 0.00006; gnomAD exomes 0.00007; ESP Exome Variant Server 0.00008.
gnomAD v4.1: 101 of 1,613,928 alleles (0.0063%); highest among the groups gnomAD compares: Middle Eastern, 0.017%; 1 homozygote.

Submissions (3):

Labcorp Genetics (formerly Invitae), Labcorp
Classification: Likely benign. Last evaluated: 2025-09-25. Review status: criteria provided, single submitter. Criteria: Invitae Variant Classification Sherloc (09022015). Collection method: clinical testing. Allele origin: germline.

Blueprint Genetics
Classification: Likely benign. Last evaluated: 2024-06-19. Review status: criteria provided, single submitter. Criteria: ACMG Guidelines, 2015. Collection method: clinical testing. Allele origin: germline.

PreventionGenetics, part of Exact Sciences
Classification: Likely benign for EFTUD2-related condition. Last evaluated: 2019-07-02. Review status: no assertion criteria provided. Collection method: clinical testing. Allele origin: germline. Not counted in ClinVar's aggregate classification.
Comment: This variant is classified as likely benign based on ACMG/AMP sequence variant interpretation guidelines (Richards et al. 2015 PMID: 25741868, with internal and published modifications).

NM_004247.4(EFTUD2):c.1995G>A (p.Thr665=)

Gene: EFTUD2 (elongation factor Tu GTP binding domain containing 2; minus strand). Cytogenetic location: 17q21.31.
Variant type: single nucleotide variant.
Coding change: c.1995G>A on transcript NM_004247.4 (MANE Select); coding-DNA position 1995, G replaced by A.
Protein change: p.Thr665=; no amino-acid change (threonine 665 retained).
Molecular consequence: synonymous variant.
Genome position (GRCh38, 1-based): chr17:44,857,125, C>T on the plus strand (G>A on the coding strand, the complement: EFTUD2 is on the minus strand). VCF-style: chr17-44857125-C-T. GRCh37 (hg19) VCF-style: chr17-42934493-C-T.
Other names: c.1995G>A (NM_004247.3); c.1890G>A, p.Thr630= (NM_001142605.2); c.1995G>A, p.Thr665= (NM_001258353.2); c.1965G>A, p.Thr655= (NM_001258354.2).
Identifiers: ClinVar variation 2202933 (VCV002202933.7), dbSNP rs368215462, ClinGen allele CA8607622.